The following is an entry in ClinVar:

ClinVar aggregate classification (germline): Likely pathogenic. Review status: criteria provided, multiple submitters, no conflicts (2 of 4 stars). 3 submissions from 3 submitters: Likely pathogenic (3). Last evaluated 2023-03-26.

Conditions:
Osteogenesis imperfecta type I (OI1). Also called: Lobstein's Disease; Lobstein disease; OI, TYPE I; OSTEOGENESIS IMPERFECTA TARDA; OSTEOGENESIS IMPERFECTA WITH BLUE SCLERAE; Classic Non-deforming Osteogenesis Imperfecta with Blue Sclerae. Identifiers: Orphanet 216796, Orphanet 666, MedGen C0023931, MONDO:0008146, OMIM 166200. Disease mechanism: loss of function.
Ehlers-Danlos syndrome, classic type, 1 (EDSCL1). Also called: Ehlers-Danlos syndrome, type 1; EDS I; EHLERS-DANLOS SYNDROME, GRAVIS TYPE; EHLERS-DANLOS SYNDROME, SEVERE CLASSIC TYPE; Ehlers-Danlos Syndrome, Classic Type, COL5A1-Related. Identifiers: MedGen C0268335, MONDO:0019567, OMIM 130000.
COL1A2-related disorder. Also called: COL1A2-Related Disorders; COL1A2-related condition.

Submissions (3):

Labcorp Genetics (formerly Invitae), Labcorp
Classification: Likely pathogenic for Osteogenesis imperfecta type I; Ehlers-Danlos syndrome, classic type, 1. Last evaluated: 2023-03-26. Review status: criteria provided, single submitter. Criteria: Invitae Variant Classification Sherloc (09022015). Collection method: clinical testing. Allele origin: germline.
Comment: This sequence change replaces glycine, which is neutral and non-polar, with arginine, which is basic and polar, at codon 325 of the COL1A2 protein (p.Gly325Arg). This variant is not present in population databases (gnomAD no frequency). In summary, the currently available evidence indicates that the variant is pathogenic, but additional data are needed to prove that conclusively. Therefore, this variant has been classified as Likely Pathogenic. This variant disrupts the p.Gly325 amino acid residue in COL1A2. Other variant(s) that disrupt this residue have been observed in individuals with COL1A2-related conditions (PMID: 16705691; Invitae), which suggests that this may be a clinically significant amino acid residue. This variant disrupts the triple helix domain of COL1A2. Glycine residues within the Gly-Xaa-Yaa repeats of the triple helix domain are required for the structure and stability of fibrillar collagens (PMID: 7695699, 8218237, 19344236). In COL1A2, variants affecting these glycine residues are significantly enriched in individuals with disease (PMID: 9016532, 17078022) compared to the general population (ExAC). Advanced modeling of protein sequence and biophysical properties (such as structural, functional, and spatial information, amino acid conservation, physicochemical variation, residue mobility, and thermodynamic stability) performed at Invitae indicates that this missense variant is expected to disrupt COL1A2 protein function. ClinVar contains an entry for this variant (Variation ID: 2439316). This variant has not been reported in the literature in individuals affected with COL1A2-related conditions.

Revvity Omics, Revvity
Classification: Likely pathogenic. Last evaluated: 2023-01-19. Review status: criteria provided, single submitter. Criteria: ACMG Guidelines, 2015. Collection method: clinical testing. Allele origin: germline.

Blueprint Genetics
Classification: Likely pathogenic for COL1A2-related disorders. Last evaluated: 2021-10-03. Review status: criteria provided, single submitter. Criteria: ACMG Guidelines, 2015. Collection method: clinical testing. Allele origin: germline. Affected: yes. Observed: 1 variant allele.

Literature cited by the submitters: PubMed 16705691 (cited by Labcorp Genetics (formerly Invitae), Labcorp); PubMed 7695699 (cited by Labcorp Genetics (formerly Invitae), Labcorp); PubMed 8218237 (cited by Labcorp Genetics (formerly Invitae), Labcorp); PubMed 19344236 (cited by Labcorp Genetics (formerly Invitae), Labcorp); PubMed 9016532 (cited by Labcorp Genetics (formerly Invitae), Labcorp); PubMed 17078022 (cited by Labcorp Genetics (formerly Invitae), Labcorp).

NM_000089.4(COL1A2):c.973G>C (p.Gly325Arg)

Gene: COL1A2 (collagen type I alpha 2 chain; plus strand). Cytogenetic location: 7q21.3.
Variant type: single nucleotide variant.
Coding change: c.973G>C on transcript NM_000089.4 (MANE Select); coding-DNA position 973, G replaced by C.
Protein change: p.Gly325Arg; replaces glycine 325 with arginine.
Molecular consequence: missense variant.
Genome position (GRCh38, 1-based): chr7:94,409,759, G>C. VCF-style: chr7-94409759-G-C. GRCh37 (hg19) VCF-style: chr7-94039071-G-C.
Other names: short protein forms G325R.
Identifiers: ClinVar variation 2439316 (VCV002439316.7), dbSNP rs2484708287, ClinGen allele CA368220899.
Genomic context (GRCh38, chr7:94,409,759, plus strand): 5'-ACCACACTGCATTTTCCTTCACAGGGCCTTCCCGGCGTTGCTGGGGCTCCCGGCCTCCCT[G>C]GACCCCGCGGTATTCCTGGCCCTGTTGGTGCTGCCGGTGCTACTGGTGCCAGAGGACTTG-3'
Protein context (NP_000080.2, residues 315-335): PGVAGAPGLP[Gly325Arg]PRGIPGPVGA